The following is an entry in ClinVar:

NM_152732.5(RSPH9):c.777C>T (p.Gly259=)

Gene: RSPH9 (radial spoke head component 9; plus strand). Cytogenetic location: 6p21.1.
Variant type: single nucleotide variant.
Coding change: c.777C>T on transcript NM_152732.5 (MANE Select); coding-DNA position 777, C replaced by T.
Protein change: p.Gly259=; no amino-acid change (glycine 259 retained).
Molecular consequence: synonymous variant. On other transcripts: non-coding transcript variant (2).
Genome position (GRCh38, 1-based): chr6:43,670,895, C>T. VCF-style: chr6-43670895-C-T. GRCh37 (hg19) VCF-style: chr6-43638632-C-T.
Other names: c.829C>T, p.Leu277= (NM_001193341.2); c.874C>T, p.Leu292= (NM_001424119.1); c.732C>T, p.Gly244= (NM_001424120.1).
Identifiers: ClinVar variation 3029572 (VCV003029572.2), dbSNP rs1773660585, ClinGen allele CA450385749.

ClinVar aggregate classification (germline): Likely benign (0 of 4 stars; one submission).

Conditions:
RSPH9-related disorder. Also called: RSPH9-related condition.

Submission:

PreventionGenetics, part of Exact Sciences
Classification: Likely benign for RSPH9-related condition. Last evaluated: 2021-08-20. Review status: no assertion criteria provided. Collection method: clinical testing. Allele origin: germline.
Comment: This variant is classified as likely benign based on ACMG/AMP sequence variant interpretation guidelines (Richards et al. 2015 PMID: 25741868, with internal and published modifications).